The following is an entry in ClinVar:

ClinVar aggregate classification (germline): Likely benign (0 of 4 stars; one submission).

Conditions:
CNTNAP1-related disorder. Also called: CNTNAP1-related condition; CNTNAP1-related disease.

Submission:

PreventionGenetics, part of Exact Sciences
Classification: Likely benign for CNTNAP1-related condition. Last evaluated: 2023-10-11. Review status: no assertion criteria provided. Collection method: clinical testing. Allele origin: germline.
Comment: This variant is classified as likely benign based on ACMG/AMP sequence variant interpretation guidelines (Richards et al. 2015 PMID: 25741868, with internal and published modifications).

NM_003632.3(CNTNAP1):c.4077A>C (p.Pro1359=)

Genes: CNTNAP1 (contactin associated protein 1; plus strand), LOC128669077 (EZH1 +46 kb erythroid enhancer; plus strand). Cytogenetic location: 17q21.2.
Variant type: single nucleotide variant.
Coding change: c.4077A>C on transcript NM_003632.3 (MANE Select); coding-DNA position 4077, A replaced by C.
Protein change: p.Pro1359=; no amino-acid change (proline 1359 retained).
Molecular consequence: synonymous variant.
Genome position (GRCh38, 1-based): chr17:42,698,832, A>C. VCF-style: chr17-42698832-A-C. GRCh37 (hg19) VCF-style: chr17-40850850-A-C.
Identifiers: ClinVar variation 3030372 (VCV003030372.2), dbSNP rs1299341199, ClinGen allele CA500224590.